The following is an entry in ClinVar:

NM_005989.4(AKR1D1):c.*1149A>C

Gene: AKR1D1 (aldo-keto reductase family 1 member D1; plus strand). Cytogenetic location: 7q33.
Variant type: single nucleotide variant.
Coding change: c.*1149A>C on transcript NM_005989.4 (MANE Select); 1149 bases downstream of the stop codon, A replaced by C.
Molecular consequence: 3 prime UTR variant.
Genome position (GRCh38, 1-based): chr7:138,117,811, A>C. VCF-style: chr7-138117811-A-C. GRCh37 (hg19) VCF-style: chr7-137802557-A-C.
Other names: c.*1149A>C (NM_001190906.2); c.*1174A>C (NM_001190907.2).
Identifiers: ClinVar variation 358977 (VCV000358977.5), dbSNP rs533559202, ClinGen allele CA10628224.

ClinVar aggregate classification (germline): Likely benign (1 of 4 stars; one submission).

Conditions:
Congenital bile acid synthesis defect 2 (CBAS2). Also called: CHOLESTASIS WITH DELTA(4)-3-OXOSTEROID 5-BETA-REDUCTASE DEFICIENCY. Identifiers: Orphanet 79303, MedGen C1856127, MONDO:0009339, OMIM 235555.

Allele frequency attached by ClinVar (database versions not stated): gnomAD 0.00001 and 0.00060; TOPMed 0.00010; 1000 Genomes Project 30x 0.00281; 1000 Genomes Project 0.00319.

Submission:

Illumina Laboratory Services, Illumina
Classification: Likely benign for Congenital bile acid synthesis defect 2. Last evaluated: 2018-01-12. Review status: criteria provided, single submitter. Criteria: ICSL Variant Classification Criteria 13 December 2019. Collection method: clinical testing. Allele origin: germline.
Comment: This variant was observed in the ICSL laboratory as part of a predisposition screen in an ostensibly healthy population. It had not been previously curated by ICSL or reported in the Human Gene Mutation Database (HGMD: prior to June 1st, 2018), and was therefore a candidate for classification through an automated scoring system. Utilizing variant allele frequency, disease prevalence and penetrance estimates, and inheritance mode, an automated score was calculated to assess if this variant is too frequent to cause the disease. Based on the score and internal cut-off values, a variant classified as likely benign is not then subjected to further curation. The score for this variant resulted in a classification of likely benign for this disease.